The following is an entry in ClinVar:

ClinVar aggregate classification (germline): Uncertain significance (1 of 4 stars; one submission).

Conditions:
Hereditary cancer-predisposing syndrome. Also called: Neoplastic Syndromes, Hereditary; Tumor predisposition; Hereditary Cancer Syndrome; Hereditary neoplastic syndrome. Identifiers: Orphanet 140162, MedGen C0027672, MeSH D009386, MONDO:0015356.

Submission:

Labcorp Genetics (formerly Invitae), Labcorp
Classification: Uncertain significance for Hereditary cancer-predisposing syndrome. Last evaluated: 2022-08-16. Review status: criteria provided, single submitter. Criteria: Invitae Variant Classification Sherloc (09022015). Collection method: clinical testing. Allele origin: germline.
Comment: This sequence change falls in intron 18 of the RAD50 gene. It does not directly change the encoded amino acid sequence of the RAD50 protein. It affects a nucleotide within the consensus splice site. In summary, the available evidence is currently insufficient to determine the role of this variant in disease. Therefore, it has been classified as a Variant of Uncertain Significance. Variants that disrupt the consensus splice site are a relatively common cause of aberrant splicing (PMID: 17576681, 9536098). Algorithms developed to predict the effect of sequence changes on RNA splicing suggest that this variant is not likely to affect RNA splicing. ClinVar contains an entry for this variant (Variation ID: 527370). This variant has not been reported in the literature in individuals affected with RAD50-related conditions. This variant is not present in population databases (gnomAD no frequency).

Literature cited by the submitters: PubMed 17576681; PubMed 9536098.

NM_005732.4(RAD50):c.2922+6T>C

Gene: RAD50 (RAD50 double strand break repair protein; plus strand). Cytogenetic location: 5q31.1.
Variant type: single nucleotide variant.
Coding change: c.2922+6T>C on transcript NM_005732.4 (MANE Select); 6 bases into the intron after coding-DNA position 2922, T replaced by C.
Molecular consequence: intron variant.
Genome position (GRCh38, 1-based): chr5:132,609,215, T>C. VCF-style: chr5-132609215-T-C. GRCh37 (hg19) VCF-style: chr5-131944907-T-C.
Identifiers: ClinVar variation 527370 (VCV000527370.11), dbSNP rs575775108, ClinGen allele CA658796643.